The following is an entry in ClinVar:

ClinVar aggregate classification (germline): Uncertain significance (1 of 4 stars; one submission).

Conditions:
Catecholaminergic polymorphic ventricular tachycardia 1. Also called: VENTRICULAR TACHYCARDIA, STRESS-INDUCED POLYMORPHIC 1; RYR2-Related Catecholaminergic Polymorphic Ventricular Tachycardia; VENTRICULAR TACHYCARDIA, CATECHOLAMINERGIC POLYMORPHIC, 1, WITH OR WITHOUT ATRIAL DYSFUNCTION AND/OR DILATED CARDIOMYOPATHY. Identifiers: Orphanet 3286, MedGen C1631597, MONDO:0011484, OMIM 604772.

gnomAD v4.1: 3 of 1,613,970 alleles (0.00019%); highest among the groups gnomAD compares: Non-Finnish European, 0.00025%; no homozygotes.

Submission:

Labcorp Genetics (formerly Invitae), Labcorp
Classification: Uncertain significance for Catecholaminergic polymorphic ventricular tachycardia 1. Last evaluated: 2025-09-23. Review status: criteria provided, single submitter. Criteria: Invitae Variant Classification Sherloc (09022015). Collection method: clinical testing. Allele origin: germline.
Comment: This sequence change replaces glutamine, which is neutral and polar, with arginine, which is basic and polar, at codon 2278 of the RYR2 protein (p.Gln2278Arg). This variant is not present in population databases (gnomAD no frequency). This variant has not been reported in the literature in individuals affected with RYR2-related conditions. Invitae Evidence Modeling of protein sequence and biophysical properties (such as structural, functional, and spatial information, amino acid conservation, physicochemical variation, residue mobility, and thermodynamic stability) indicates that this missense variant is not expected to disrupt RYR2 protein function with a negative predictive value of 95%. In summary, the available evidence is currently insufficient to determine the role of this variant in disease. Therefore, it has been classified as a Variant of Uncertain Significance.

NM_001035.3(RYR2):c.6833A>G (p.Gln2278Arg)

Gene: RYR2 (ryanodine receptor 2; plus strand). Cytogenetic location: 1q43.
Variant type: single nucleotide variant.
Coding change: c.6833A>G on transcript NM_001035.3 (MANE Select); coding-DNA position 6833, A replaced by G.
Protein change: p.Gln2278Arg; replaces glutamine 2278 with arginine.
Molecular consequence: missense variant.
Genome position (GRCh38, 1-based): chr1:237,638,397, A>G. VCF-style: chr1-237638397-A-G. GRCh37 (hg19) VCF-style: chr1-237801697-A-G.
Other names: short protein forms Q2278R.
Identifiers: ClinVar variation 4800084 (VCV004800084.1).